The following is an entry in ClinVar:

ClinVar aggregate classification (germline): Likely benign. Review status: criteria provided, multiple submitters, no conflicts (2 of 4 stars). 5 submissions from 5 submitters: Likely benign (4). 1 of the submissions does not count toward it. Last evaluated 2025-12-22.

Conditions:
COL11A2-related disorder. Also called: COL11A2-related disorders; COL11A2-related condition.

Allele frequency attached by ClinVar (database versions not stated): TOPMed 0.00011; gnomAD 0.00013 and 0.00014; 1000 Genomes Project 30x 0.00078; 1000 Genomes Project 0.00080; gnomAD exomes 0.00001 and 0.00004; ExAC 0.00010.

Submissions (5):

Labcorp Genetics (formerly Invitae), Labcorp
Classification: Likely benign. Last evaluated: 2025-12-22. Review status: criteria provided, single submitter. Criteria: Invitae Variant Classification Sherloc (09022015). Collection method: clinical testing. Allele origin: germline.

Blueprint Genetics
Classification: Likely benign. Last evaluated: 2024-09-23. Review status: criteria provided, single submitter. Criteria: ACMG Guidelines, 2015. Collection method: clinical testing. Allele origin: germline.

GeneDx
Classification: Likely benign. Last evaluated: 2020-05-20. Review status: criteria provided, single submitter. Criteria: GeneDx Variant Classification Process June 2021. Collection method: clinical testing. Allele origin: germline. Affected: yes.

Laboratory for Molecular Medicine, Mass General Brigham Personalized Medicine
Classification: Likely benign. Last evaluated: 2017-07-13. Review status: criteria provided, single submitter. Criteria: LMM Criteria. Collection method: clinical testing. Allele origin: germline. Observed: 2 variant alleles.
Comment: p.Gly976Gly in exon 40 of COL11A2: This variant is not expected to have clinical significance because it does not alter an amino acid residue and is not located within the splice consensus sequence. It has been identified in 10/19488 Africa n chromosomes by the Genome Aggregation Database (gnomAD; dbSNP rs147004824).

PreventionGenetics, part of Exact Sciences
Classification: Likely benign for COL11A2-related condition. Last evaluated: 2020-02-14. Review status: no assertion criteria provided. Collection method: clinical testing. Allele origin: germline. Not counted in ClinVar's aggregate classification.
Comment: This variant is classified as likely benign based on ACMG/AMP sequence variant interpretation guidelines (Richards et al. 2015 PMID: 25741868, with internal and published modifications).

NM_080680.3(COL11A2):c.2928G>A (p.Gly976=)

Gene: COL11A2 (collagen type XI alpha 2 chain; minus strand). Cytogenetic location: 6p21.32.
Variant type: single nucleotide variant.
Coding change: c.2928G>A on transcript NM_080680.3 (MANE Select); coding-DNA position 2928, G replaced by A.
Protein change: p.Gly976=; no amino-acid change (glycine 976 retained).
Molecular consequence: synonymous variant.
Genome position (GRCh38, 1-based): chr6:33,172,349, C>T on the plus strand (G>A on the coding strand, the complement: COL11A2 is on the minus strand). VCF-style: chr6-33172349-C-T. GRCh37 (hg19) VCF-style: chr6-33140126-C-T.
Other names: c.2607G>A, p.Gly869= (NM_080679.3); c.2670G>A, p.Gly890= (NM_080681.3).
Identifiers: ClinVar variation 227268 (VCV000227268.16), dbSNP rs147004824, ClinGen allele CA3750697.